The following is an entry in ClinVar:

NM_001365276.2(TNXB):c.10199C>T (p.Pro3400Leu)

Gene: TNXB (tenascin XB; minus strand). Cytogenetic location: 6p21.33.
Variant type: single nucleotide variant.
Coding change: c.10199C>T on transcript NM_001365276.2 (MANE Select); coding-DNA position 10199, C replaced by T.
Protein change: p.Pro3400Leu; replaces proline 3400 with leucine.
Molecular consequence: missense variant.
Genome position (GRCh38, 1-based): chr6:32,047,859, G>A on the plus strand (C>T on the coding strand, the complement: TNXB is on the minus strand). VCF-style: chr6-32047859-G-A. GRCh37 (hg19) VCF-style: chr6-32015636-G-A.
Other names: p.Pro3398Leu; c.10940C>T, p.Pro3647Leu (NM_001428335.1); c.10193C>T, p.Pro3398Leu (NM_019105.8); c.10193C>T (NM_019105.6); short protein forms P3398L, P3400L, P3647L.
Identifiers: ClinVar variation 3234439 (VCV003234439.22), dbSNP rs777685355, ClinGen allele CA3733281.

ClinVar aggregate classification (germline): Conflicting classifications of pathogenicity. Review status: criteria provided, conflicting classifications (1 of 4 stars). 3 submissions from 3 submitters: Uncertain significance (2); Likely benign (1). Last evaluated 2024-04-11.

Conditions:
Cardiovascular phenotype. Identifiers: MedGen CN230736.

Allele frequency attached by ClinVar (database versions not stated): ExAC 0.00003; 1000 Genomes Project 30x 0.00016.
gnomAD v4.1: 41 of 1,612,074 alleles (0.0025%); highest among the groups gnomAD compares: East Asian, 0.04%; no homozygotes.

Submissions (3):

Ambry Genetics
Classification: Likely benign for Cardiovascular phenotype. Last evaluated: 2024-04-11. Review status: criteria provided, single submitter. Criteria: Ambry Variant Classification Scheme 2023. Collection method: clinical testing. Allele origin: germline.

CeGaT Center for Human Genetics Tuebingen
Classification: Uncertain significance. Last evaluated: 2024-04-01. Review status: criteria provided, single submitter. Criteria: CeGaT Center For Human Genetics Tuebingen Variant Classification Criteria Version 2. Collection method: clinical testing. Allele origin: germline. Affected: yes. Observed: 1 variant allele.
Comment: TNXB: PM2:Supporting, BP4

Mayo Clinic Laboratories, Mayo Clinic
Classification: Uncertain significance. Last evaluated: 2023-10-18. Review status: criteria provided, single submitter. Criteria: ACMG Guidelines, 2015. Collection method: clinical testing. Allele origin: germline. Observed: 1 variant allele.
Comment: BP4, PM2